The following is an entry in ClinVar:

NM_002334.4(LRP4):c.448G>A (p.Asp150Asn)

Gene: LRP4 (LDL receptor related protein 4; minus strand). Cytogenetic location: 11p11.2.
Variant type: single nucleotide variant.
Coding change: c.448G>A on transcript NM_002334.4 (MANE Select); coding-DNA position 448, G replaced by A.
Protein change: p.Asp150Asn; replaces aspartic acid 150 with asparagine.
Molecular consequence: missense variant.
Genome position (GRCh38, 1-based): chr11:46,899,486, C>T on the plus strand (G>A on the coding strand, the complement: LRP4 is on the minus strand). VCF-style: chr11-46899486-C-T. GRCh37 (hg19) VCF-style: chr11-46921037-C-T.
Other names: short protein forms D150N.
Identifiers: ClinVar variation 1035735 (VCV001035735.9), dbSNP rs200746048, ClinGen allele CA5970489.

ClinVar aggregate classification (germline): Uncertain significance (1 of 4 stars; one submission).

Conditions:
Congenital myasthenic syndrome 17. Identifiers: Orphanet 590, MedGen C4225377, MONDO:0014578, OMIM 616304.
Sclerosteosis 2 (SOST2). Identifiers: Orphanet 3152, MedGen C3280402, MONDO:0013679, OMIM 614305.
Cenani-Lenz syndactyly syndrome. Also called: SYNDACTYLY, TYPE VII; CENANI SYNDACTYLISM. Identifiers: Orphanet 3258, MedGen C1859309, MONDO:0008931, OMIM 212780.

Allele frequency attached by ClinVar (database versions not stated): TOPMed below 0.00001; gnomAD exomes 0.00001 and 0.00003; gnomAD 0.00002; ExAC 0.00003; 1000 Genomes Project 30x 0.00031; 1000 Genomes Project 0.00040.
gnomAD v4.1: 14 of 1,613,580 alleles (0.00087%); highest among the groups gnomAD compares: Middle Eastern, 0.017%; no homozygotes.

Submission:

Labcorp Genetics (formerly Invitae), Labcorp
Classification: Uncertain significance for Cenani-Lenz syndactyly syndrome; Sclerosteosis 2; Congenital myasthenic syndrome 17. Last evaluated: 2023-03-17. Review status: criteria provided, single submitter. Criteria: Invitae Variant Classification Sherloc (09022015). Collection method: clinical testing. Allele origin: germline.
Comment: In summary, the available evidence is currently insufficient to determine the role of this variant in disease. Therefore, it has been classified as a Variant of Uncertain Significance. An algorithm developed to predict the effect of missense changes on protein structure and function (PolyPhen-2) suggests that this variant is likely to be tolerated. ClinVar contains an entry for this variant (Variation ID: 1035735). This variant has not been reported in the literature in individuals affected with LRP4-related conditions. This variant is present in population databases (rs200746048, gnomAD 0.009%). This sequence change replaces aspartic acid, which is acidic and polar, with asparagine, which is neutral and polar, at codon 150 of the LRP4 protein (p.Asp150Asn).